The following is an entry in ClinVar:

ClinVar aggregate classification (germline): Pathogenic. Review status: criteria provided, single submitter (1 of 4 stars). 2 submissions from 2 submitters: Pathogenic (1). 1 of the submissions does not count toward it. Last evaluated 2024-03-09.

Conditions:
Curry-Hall syndrome (WAD). Also called: WEYERS ACRODENTAL DYSOSTOSIS. Identifiers: Orphanet 952, MedGen C0457013, MONDO:0008673, OMIM 193530.
Ellis-van Creveld syndrome (EVC). Also called: EVC2-Related Ellis-van Creveld Syndrome; EVC-Related Ellis-van Creveld Syndrome; MESOECTODERMAL DYSPLASIA; Chondroectodermal dysplasia. Identifiers: Orphanet 289, MedGen C0013903, MONDO:0009162, OMIM 225500.

Allele frequency attached by ClinVar (database versions not stated): gnomAD exomes below 0.00001; gnomAD 0.00001; TOPMed 0.00001.

Submissions (2):

Labcorp Genetics (formerly Invitae), Labcorp
Classification: Pathogenic for Curry-Hall syndrome; Ellis-van Creveld syndrome. Last evaluated: 2024-03-09. Review status: criteria provided, single submitter. Criteria: Invitae Variant Classification Sherloc (09022015). Collection method: clinical testing. Allele origin: germline.
Comment: This sequence change creates a premature translational stop signal (p.Ala22Glyfs*34) in the EVC2 gene. It is expected to result in an absent or disrupted protein product. Loss-of-function variants in EVC2 are known to be pathogenic (PMID: 17024374, 19810119, 19876929). This variant is not present in population databases (gnomAD no frequency). This variant has not been reported in the literature in individuals affected with EVC2-related conditions. ClinVar contains an entry for this variant (Variation ID: 555118). For these reasons, this variant has been classified as Pathogenic.

Counsyl
Classification: Likely pathogenic for Ellis-van Creveld syndrome. Last evaluated: 2017-11-26. Review status: no assertion criteria provided. Collection method: clinical testing. Allele origin: unknown. Not counted in ClinVar's aggregate classification.

Literature cited by the submitters: PubMed 17024374 (cited by Labcorp Genetics (formerly Invitae), Labcorp); PubMed 19810119 (cited by Labcorp Genetics (formerly Invitae), Labcorp); PubMed 19876929 (cited by Labcorp Genetics (formerly Invitae), Labcorp).

NM_147127.5(EVC2):c.62dup (p.Ala22fs)

Gene: EVC2 (EvC ciliary complex subunit 2; minus strand). Cytogenetic location: 4p16.2.
Variant type: Duplication.
Coding change: c.62dup on transcript NM_147127.5 (MANE Select); coding-DNA position 62, one base duplicated (T; older notation c.62dupT).
Protein change: p.Ala22fs; shifts the reading frame from alanine 22.
Molecular consequence: frameshift variant. On other transcripts: intron variant (1).
Genome position (GRCh38, 1-based): chr4:5,708,452, A duplicated on the plus strand (T on the coding strand, the reverse complement: EVC2 is on the minus strand). VCF-style (leftmost placement, unchanged base first): chr4-5708451-C-CA. GRCh37 (hg19) VCF-style: chr4-5710178-C-CA.
Other names: c.-13+377dup (NM_001166136.2); c.62dupT (NM_147127.4); short protein forms A22fs.
Identifiers: ClinVar variation 555118 (VCV000555118.9), dbSNP rs1430962566, ClinGen allele CA658821184.
Genomic context (GRCh38, chr4:5,708,451, plus strand): 5'-GGGGCGCCAGCGGGGACGTGAGCTGGCGCCGAGACAGCCTCGGCCCCCCAGCGCCAGGGC[C>CA]ACTGCCAGGAGACCCCCGGCCAGCACCCACGTGGGGCGCCCCCGGGAGCCCGAGGGGTCC-3'